The following is an entry in ClinVar:

NM_004793.4(LONP1):c.979A>C (p.Asn327His)

Gene: LONP1 (lon peptidase 1, mitochondrial; minus strand). Cytogenetic location: 19p13.3.
Variant type: single nucleotide variant.
Coding change: c.979A>C on transcript NM_004793.4 (MANE Select); coding-DNA position 979, A replaced by C.
Protein change: p.Asn327His; replaces asparagine 327 with histidine.
Molecular consequence: missense variant. On other transcripts: non-coding transcript variant (1).
Genome position (GRCh38, 1-based): chr19:5,707,780, T>G on the plus strand (A>C on the coding strand, the complement: LONP1 is on the minus strand). VCF-style: chr19-5707780-T-G. GRCh37 (hg19) VCF-style: chr19-5707791-T-G.
Other names: c.787A>C, p.Asn263His (NM_001276479.2); c.391A>C, p.Asn131His (NM_001276480.1); short protein forms N263H, N327H, N131H.
Identifiers: ClinVar variation 2019272 (VCV002019272.4), dbSNP rs2512413524, ClinGen allele CA403536170.
Genomic context (GRCh38, chr19:5,707,780, plus strand): 5'-GCAGCTCATGGGACTCGGCCCCGGTGAGCGCGGCGCCCATGTCGCTCAGGTAGATGGGGT[T>G]GTCCACCACCCGCTGGCCAGCCTGCATCATCTGCAGCACTGACTCCCTGGGGGACAAAGG-3'
Protein context (NP_004784.2, residues 317-337): MMQAGQRVVD[Asn327His]PIYLSDMGAA

ClinVar aggregate classification (germline): Uncertain significance (1 of 4 stars; one submission).

Submission:

Labcorp Genetics (formerly Invitae), Labcorp
Classification: Uncertain significance. Last evaluated: 2025-05-27. Review status: criteria provided, single submitter. Criteria: Invitae Variant Classification Sherloc (09022015). Collection method: clinical testing. Allele origin: germline.
Comment: This sequence change replaces asparagine, which is neutral and polar, with histidine, which is basic and polar, at codon 327 of the LONP1 protein (p.Asn327His). This variant is not present in population databases (gnomAD no frequency). This variant has not been reported in the literature in individuals affected with LONP1-related conditions. ClinVar contains an entry for this variant (Variation ID: 2019272). Invitae Evidence Modeling of protein sequence and biophysical properties (such as structural, functional, and spatial information, amino acid conservation, physicochemical variation, residue mobility, and thermodynamic stability) has been performed for this missense variant. However, the output from this modeling did not meet the statistical confidence thresholds required to predict the impact of this variant on LONP1 protein function. In summary, the available evidence is currently insufficient to determine the role of this variant in disease. Therefore, it has been classified as a Variant of Uncertain Significance.